The following is an entry in ClinVar:

ClinVar aggregate classification (germline): Uncertain significance (1 of 4 stars; one submission).

Conditions:
PTPN4-related disorder. Also called: PTPN4-Related Disorders; PTPN4-related condition.

gnomAD v4.1: 1 of 1,595,390 alleles (0.000063%); highest among the groups gnomAD compares: Non-Finnish European, 0.000085%; no homozygotes.

Submission:

Clinical Genomics Laboratory, Washington University in St. Louis
Classification: Uncertain significance for PTPN4-related disorder. Last evaluated: 2025-10-05. Review status: criteria provided, single submitter. Criteria: ACMG Guidelines, 2015. Collection method: clinical testing. Allele origin: germline.
Comment: The PTPN4 c.2780A>T (p.*927Leuext*52) variant, to our knowledge, has not been reported in the medical literature and is only observed on 1/1,595,390 alleles in the general population (gnomAD v.4.1.0), indicating it is not a common variant. This variant causes a stop-loss variant, which changes a stop codon to a leucine and extends the protein length by 51 amino acids. The effect of this stop-loss is uncertain; the C-terminus of the protein encodes the protein tyrosine phosphatase domain. Due to limited information, and based on ACMG/AMP guidelines for variant interpretation (Richards S et al., PMID: 25741868 ), the clinical significance of this variant is uncertain at this time.

Literature cited by the submitters: PubMed 34527963.

NM_002830.4(PTPN4):c.2780A>T (p.Ter927Leu)

Gene: PTPN4 (protein tyrosine phosphatase non-receptor type 4; plus strand). Cytogenetic location: 2q14.2.
Variant type: single nucleotide variant.
Coding change: c.2780A>T on transcript NM_002830.4 (MANE Select); coding-DNA position 2780, A replaced by T.
Protein change: p.Ter927Leu.
Molecular consequence: stop lost.
Genome position (GRCh38, 1-based): chr2:119,977,069, A>T. VCF-style: chr2-119977069-A-T. GRCh37 (hg19) VCF-style: chr2-120734645-A-T.
Identifiers: ClinVar variation 4879552 (VCV004879552.1).